The following is an entry in ClinVar:

NM_001077365.2(POMT1):c.699+6T>G

Gene: POMT1 (protein O-mannosyltransferase 1; plus strand). Cytogenetic location: 9q34.13.
Variant type: single nucleotide variant.
Coding change: c.699+6T>G on transcript NM_001077365.2 (MANE Select); 6 bases into the intron after coding-DNA position 699, T replaced by G.
Molecular consequence: intron variant. On other transcripts: synonymous variant (7), non-coding transcript variant (1).
Genome position (GRCh38, 1-based): chr9:131,510,002, T>G. VCF-style: chr9-131510002-T-G. GRCh37 (hg19) VCF-style: chr9-134385389-T-G.
Other names: c.705T>G, p.Gly235= (NM_001353193.2, NM_007171.4); c.543T>G, p.Gly181= (NM_001353197.2, NM_001353198.2, NM_001374689.1); c.354T>G, p.Gly118= (NM_001353199.2); c.249T>G, p.Gly83= (NM_001374695.1); c.699+6T>G (NM_001136113.2, NM_001374690.1); c.537+6T>G (NM_001353194.2, NM_001077366.2, NM_001374693.1); c.348+6T>G (NM_001374691.1, NM_001353195.2, NM_001374692.1 and 1 more transcripts); c.609+6T>G (NM_001353196.2); and 2 more.
Identifiers: ClinVar variation 2921544 (VCV002921544.3), dbSNP rs2539137266, ClinGen allele CA467503786.

ClinVar aggregate classification (germline): Uncertain significance (1 of 4 stars; one submission).

Conditions:
Walker-Warburg congenital muscular dystrophy. Also called: Muscular dystrophy-dystroglycanopathy, type A; Walker-Warburg syndrome. Identifiers: Orphanet 899, MedGen C0265221, MONDO:0000171.
Muscular dystrophy-dystroglycanopathy (congenital with impaired intellectual development), type B, 1. Also called: MUSCULAR DYSTROPHY, CONGENITAL, POMT1-RELATED; Muscular dystrophy-dystroglycanopathy (congenital with intellectual disability), type B1. Identifiers: MedGen C5436962, MONDO:0013159, OMIM 613155.
Autosomal recessive limb-girdle muscular dystrophy type 2K. Also called: MUSCULAR DYSTROPHY-DYSTROGLYCANOPATHY (LIMB-GIRDLE), TYPE C, 1; MUSCULAR DYSTROPHY, LIMB-GIRDLE, TYPE 2K. Identifiers: Orphanet 86812, MedGen C1836373, MONDO:0012248, OMIM 609308.

Submission:

Labcorp Genetics (formerly Invitae), Labcorp
Classification: Uncertain significance for Muscular dystrophy-dystroglycanopathy (congenital with impaired intellectual development), type B, 1; Walker-Warburg congenital muscular dystrophy; Autosomal recessive limb-girdle muscular dystrophy type 2K. Last evaluated: 2023-12-19. Review status: criteria provided, single submitter. Criteria: Invitae Variant Classification Sherloc (09022015). Collection method: clinical testing. Allele origin: germline.
Comment: This sequence change affects codon 235 of the POMT1 mRNA. It is a 'silent' change, meaning that it does not change the encoded amino acid sequence of the POMT1 protein. This variant is not present in population databases (gnomAD no frequency). This variant has not been reported in the literature in individuals affected with POMT1-related conditions. Algorithms developed to predict the effect of sequence changes on RNA splicing suggest that this variant may disrupt the consensus splice site. In summary, the available evidence is currently insufficient to determine the role of this variant in disease. Therefore, it has been classified as a Variant of Uncertain Significance.